The following is an entry in ClinVar:

ClinVar aggregate classification (germline): Pathogenic (1 of 4 stars; one submission).

Conditions:
Autosomal recessive severe congenital neutropenia due to CSF3R deficiency. Also called: Neutropenia, severe congenital, 7, autosomal recessive. Identifiers: Orphanet 420702, MedGen C4310764, MONDO:0014865, OMIM 617014.

Submission:

Labcorp Genetics (formerly Invitae), Labcorp
Classification: Pathogenic for Autosomal recessive severe congenital neutropenia due to CSF3R deficiency. Last evaluated: 2023-12-09. Review status: criteria provided, single submitter. Criteria: Invitae Variant Classification Sherloc (09022015). Collection method: clinical testing. Allele origin: germline.
Comment: This sequence change creates a premature translational stop signal (p.Gln498Serfs*7) in the CSF3R gene. It is expected to result in an absent or disrupted protein product. Loss-of-function variants in CSF3R are known to be pathogenic (PMID: 24753537, 26324699). This variant is present in population databases (no rsID available, gnomAD 0.0009%). This variant has not been reported in the literature in individuals affected with CSF3R-related conditions. For these reasons, this variant has been classified as Pathogenic.

Literature cited by the submitters: PubMed 24753537; PubMed 26324699.

NM_000760.4(CSF3R):c.1488del (p.Gln498fs)

Gene: CSF3R (colony stimulating factor 3 receptor; minus strand). Cytogenetic location: 1p34.3.
Variant type: Deletion.
Coding change: c.1488del on transcript NM_000760.4 (MANE Select); coding-DNA position 1488, one base deleted (C; older notation c.1488delC).
Protein change: p.Gln498fs; shifts the reading frame from glutamine 498.
Molecular consequence: frameshift variant.
Genome position (GRCh38, 1-based): chr1:36,469,244, G deleted on the plus strand (C on the coding strand, the reverse complement: CSF3R is on the minus strand); the first of 3 consecutive G bases (chr1:36,469,244-36,469,246); deleting any one gives the same sequence. VCF-style (leftmost placement, unchanged base first): chr1-36469243-AG-A. GRCh37 (hg19) VCF-style: chr1-36934844-AG-A.
Other names: c.1488del, p.Gln498fs (NM_156039.3, NM_172313.3); short protein forms Q498fs.
Identifiers: ClinVar variation 2904711 (VCV002904711.2), dbSNP rs1557589366, ClinGen allele CA521995935.